The following is an entry in ClinVar:

NM_001297.5(CNGB1):c.551C>T (p.Pro184Leu)

Gene: CNGB1 (cyclic nucleotide gated channel subunit beta 1; minus strand). Cytogenetic location: 16q21.
Variant type: single nucleotide variant.
Coding change: c.551C>T on transcript NM_001297.5 (MANE Select); coding-DNA position 551, C replaced by T.
Protein change: p.Pro184Leu; replaces proline 184 with leucine.
Molecular consequence: missense variant.
Genome position (GRCh38, 1-based): chr16:57,960,514, G>A on the plus strand (C>T on the coding strand, the complement: CNGB1 is on the minus strand). VCF-style: chr16-57960514-G-A. GRCh37 (hg19) VCF-style: chr16-57994418-G-A.
Other names: c.551C>T (NM_001297.4); c.551C>T, p.Pro184Leu (NM_001135639.2, NM_001286130.2); short protein forms P184L.
Identifiers: ClinVar variation 1915103 (VCV001915103.8), dbSNP rs763256549, ClinGen allele CA8083765.

ClinVar aggregate classification (germline): Uncertain significance. Review status: criteria provided, multiple submitters, no conflicts (2 of 4 stars). 3 submissions from 3 submitters: Uncertain significance (3). Last evaluated 2023-05-08.

Conditions:
Inborn genetic diseases. Identifiers: MedGen C0950123, MeSH D030342.

Allele frequency attached by ClinVar (database versions not stated): gnomAD 0.00001; TOPMed 0.00002; ExAC 0.00003; gnomAD exomes 0.00003.
gnomAD v4.1: 42 of 1,613,734 alleles (0.0026%); highest among the groups gnomAD compares: Non-Finnish European, 0.0035%; no homozygotes.

Submissions (3):

Ambry Genetics
Classification: Uncertain significance for Inborn genetic diseases. Last evaluated: 2023-05-08. Review status: criteria provided, single submitter. Criteria: Ambry Variant Classification Scheme 2023. Collection method: clinical testing. Allele origin: germline.

Labcorp Genetics (formerly Invitae), Labcorp
Classification: Uncertain significance. Last evaluated: 2022-05-20. Review status: criteria provided, single submitter. Criteria: Invitae Variant Classification Sherloc (09022015). Collection method: clinical testing. Allele origin: germline.
Comment: This variant is present in population databases (rs763256549, gnomAD 0.005%). This sequence change replaces proline, which is neutral and non-polar, with leucine, which is neutral and non-polar, at codon 184 of the CNGB1 protein (p.Pro184Leu). This variant has not been reported in the literature in individuals affected with CNGB1-related conditions. In summary, the available evidence is currently insufficient to determine the role of this variant in disease. Therefore, it has been classified as a Variant of Uncertain Significance. Advanced modeling of protein sequence and biophysical properties (such as structural, functional, and spatial information, amino acid conservation, physicochemical variation, residue mobility, and thermodynamic stability) performed at Invitae indicates that this missense variant is not expected to disrupt CNGB1 protein function.

Blueprint Genetics
Classification: Uncertain significance. Last evaluated: 2021-11-01. Review status: criteria provided, single submitter. Criteria: ACMG Guidelines, 2015. Collection method: clinical testing. Allele origin: germline.